The following is an entry in ClinVar:

ClinVar aggregate classification (germline): Uncertain significance (1 of 4 stars; one submission).

Conditions:
Cardiovascular phenotype. Identifiers: MedGen CN230736.

Allele frequency attached by ClinVar (database versions not stated): gnomAD exomes 0.00001.
gnomAD v4.1: 4 of 1,614,060 alleles (0.00025%); highest among the groups gnomAD compares: Non-Finnish European, 0.00034%; no homozygotes.

Submission:

Ambry Genetics
Classification: Uncertain significance for Cardiovascular phenotype. Last evaluated: 2021-07-27. Review status: criteria provided, single submitter. Criteria: Ambry Variant Classification Scheme 2023. Collection method: clinical testing. Allele origin: germline.
Comment: The p.Q44K variant (also known as c.130C>A), located in coding exon 1 of the SCN10A gene, results from a C to A substitution at nucleotide position 130. The glutamine at codon 44 is replaced by lysine, an amino acid with similar properties. This amino acid position is conserved. In addition, this alteration is predicted to be tolerated by in silico analysis. Since supporting evidence is limited at this time, the clinical significance of this alteration remains unclear.

NM_006514.4(SCN10A):c.130C>A (p.Gln44Lys)

Gene: SCN10A (sodium voltage-gated channel alpha subunit 10; minus strand). Cytogenetic location: 3p22.2.
Variant type: single nucleotide variant.
Coding change: c.130C>A on transcript NM_006514.4 (MANE Select); coding-DNA position 130, C replaced by A.
Protein change: p.Gln44Lys; replaces glutamine 44 with lysine.
Molecular consequence: missense variant.
Genome position (GRCh38, 1-based): chr3:38,793,881, G>T on the plus strand (C>A on the coding strand, the complement: SCN10A is on the minus strand). VCF-style: chr3-38793881-G-T. GRCh37 (hg19) VCF-style: chr3-38835372-G-T.
Other names: c.130C>A, p.Gln44Lys (NM_001293306.2, NM_001293307.2); short protein forms Q44K.
Identifiers: ClinVar variation 1769612 (VCV001769612.2), dbSNP rs2470901401, ClinGen allele CA352163047.